The following is an entry in ClinVar:

ClinVar aggregate classification (germline): Uncertain significance (1 of 4 stars; one submission).

gnomAD v4.1: 9 of 1,605,338 alleles (0.00056%); highest among the groups gnomAD compares: Non-Finnish European, 0.00077%; no homozygotes.

Submission:

Labcorp Genetics (formerly Invitae), Labcorp
Classification: Uncertain significance. Last evaluated: 2025-12-31. Review status: criteria provided, single submitter. Criteria: Invitae Variant Classification Sherloc (09022015). Collection method: clinical testing. Allele origin: germline.
Comment: This sequence change replaces alanine, which is neutral and non-polar, with proline, which is neutral and non-polar, at codon 347 of the CD2AP protein (p.Ala347Pro). This variant is present in population databases (rs772479408, gnomAD 0.003%). This variant has not been reported in the literature in individuals affected with CD2AP-related conditions. Invitae Evidence Modeling of protein sequence and biophysical properties (such as structural, functional, and spatial information, amino acid conservation, physicochemical variation, residue mobility, and thermodynamic stability) indicates that this missense variant is not expected to disrupt CD2AP protein function with a negative predictive value of 80%. In summary, the available evidence is currently insufficient to determine the role of this variant in disease. Therefore, it has been classified as a Variant of Uncertain Significance.

NM_012120.3(CD2AP):c.1039G>C (p.Ala347Pro)

Gene: CD2AP (CD2 associated protein; plus strand). Cytogenetic location: 6p12.3.
Variant type: single nucleotide variant.
Coding change: c.1039G>C on transcript NM_012120.3 (MANE Select); coding-DNA position 1039, G replaced by C.
Protein change: p.Ala347Pro; replaces alanine 347 with proline.
Molecular consequence: missense variant.
Genome position (GRCh38, 1-based): chr6:47,580,894, G>C. VCF-style: chr6-47580894-G-C. GRCh37 (hg19) VCF-style: chr6-47548630-G-C.
Other names: short protein forms A347P.
Identifiers: ClinVar variation 4769438 (VCV004769438.1).